The following is an entry in ClinVar:

NM_022081.6(HPS4):c.649C>T (p.Arg217Ter)

Gene: HPS4 (HPS4 biogenesis of lysosomal organelles complex 3 subunit 2; minus strand). Cytogenetic location: 22q12.1.
Variant type: single nucleotide variant.
Coding change: c.649C>T on transcript NM_022081.6 (MANE Select); coding-DNA position 649, C replaced by T.
Protein change: p.Arg217Ter; replaces arginine 217 with a stop codon.
Molecular consequence: nonsense. On other transcripts: non-coding transcript variant (8).
Genome position (GRCh38, 1-based): chr22:26,468,571, G>A on the plus strand (C>T on the coding strand, the complement: HPS4 is on the minus strand). VCF-style: chr22-26468571-G-A. GRCh37 (hg19) VCF-style: chr22-26864537-G-A.
Other names: NM_022081.6(HPS4):c.649C>T; p.Arg217Ter; c.649C>T (NM_022081.5); c.649C>T, p.Arg217Ter (NM_001349896.1, NM_001349898.2, NM_001349899.2 and 6 more transcripts); c.634C>T, p.Arg212Ter (NM_152841.2); short protein forms R217*, R212*.
Identifiers: ClinVar variation 4130 (VCV000004130.28), dbSNP rs119471023, ClinGen allele CA340183.

ClinVar aggregate classification (germline): Pathogenic/Likely pathogenic. Review status: criteria provided, multiple submitters, no conflicts (2 of 4 stars). 13 submissions from 13 submitters: Pathogenic (11); Likely pathogenic (1). 1 of the submissions does not count toward it. Last evaluated 2025-12-22.

Conditions:
HPS4-related disorders.
Hermansky-Pudlak syndrome (HPS). Also called: ALBINISM WITH HEMORRHAGIC DIATHESIS AND PIGMENTED RETICULOENDOTHELIAL CELLS. Identifiers: Orphanet 79430, MedGen C0079504, MONDO:0019312.
Hermansky-Pudlak syndrome 4 (HPS4). Identifiers: Orphanet 231500, Orphanet 79430, MedGen C3484357, MONDO:0013556, OMIM 614073.

Allele frequency attached by ClinVar (database versions not stated): gnomAD 0.00004; TOPMed 0.00002; ExAC 0.00003.
gnomAD v4.1: 69 of 1,613,944 alleles (0.0043%); highest among the groups gnomAD compares: Non-Finnish European, 0.0053%; no homozygotes.

Submissions (13):

Labcorp Genetics (formerly Invitae), Labcorp
Classification: Pathogenic. Last evaluated: 2025-12-22. Review status: criteria provided, single submitter. Criteria: Invitae Variant Classification Sherloc (09022015). Collection method: clinical testing. Allele origin: germline.
Comment: This sequence change creates a premature translational stop signal (p.Arg217*) in the HPS4 gene. It is expected to result in an absent or disrupted protein product. Loss-of-function variants in HPS4 are known to be pathogenic (PMID: 12664304). This variant is present in population databases (rs119471023, gnomAD 0.006%). This premature translational stop signal has been observed in individual(s) with clinical features of Hermansky-Pudlak syndrome (PMID: 12664304, 29600982). This variant is also known as C837T (R217X). ClinVar contains an entry for this variant (Variation ID: 4130). For these reasons, this variant has been classified as Pathogenic.

Dasa
Classification: Pathogenic. Last evaluated: 2025-11-03. Review status: criteria provided, single submitter. Criteria: DASA Assertion Criteria. Collection method: clinical testing. Allele origin: germline.
Comment: NM_022081.6(HPS4):c.649C>T (p.Arg217*) introduces a premature termination codon predicted to result in loss of normal protein function. Loss-of-function is an established mechanism of disease for this gene. This variant has been reported in individuals with related phenotype (PMID: 12664304). Segregation evidence has been reported in affected families. The variant is present at low frequency in population datasets. Based on the available data, this variant is classified as pathogenic.

3billion
Classification: Pathogenic for Hermansky-Pudlak syndrome 4. Last evaluated: 2025-04-09. Review status: criteria provided, single submitter. Criteria: ACMG Guidelines, 2015. Collection method: clinical testing. Allele origin: germline. Affected: yes.
Comment: The variant is observed at an extremely low frequency in the gnomAD v4.1.0 dataset (total allele frequency: 0.004%). Predicted Consequence/Location: Stop-gained (nonsense): predicted to result in a loss or disruption of normal protein function through nonsense-mediated decay (NMD) or protein truncation. Multiple pathogenic variants are reported downstream of the variant. The variant was homozygous. The variant has been reported at least twice as pathogenic with clinical assertions and evidence for the classification (ClinVar ID: VCV000004130 / PMID: 12664304). Therefore, this variant is classified as Pathogenic according to the recommendation of ACMG/AMP guideline.

Laboratory of Genetic Epidemiology, Research Centre for Medical Genetics
Classification: Pathogenic for Hermansky-Pudlak syndrome 4. Last evaluated: 2025-01-01. Review status: criteria provided, single submitter. Criteria: ACMG Guidelines, 2015. Collection method: clinical testing. Allele origin: biparental. Inheritance: Autosomal recessive inheritance. Affected: yes. Observed: 1 homozygote.
Comment: This variant has been previously reported in the literature (PMIDs: 12664304, 34838614) and is listed in gnomAD v3.1.2 with allele frequency 0.00007 in Europe (5/68020), none in homozygous state. Taken together, the variant meets the following ACMG/AMP criteria and can be classified as pathogenic with PM2, PVS1, PM3, PP5, PP4 criteria.

Women's Health and Genetics/Laboratory Corporation of America, LabCorp
Classification: Pathogenic for Hermansky-Pudlak syndrome. Last evaluated: 2024-10-14. Review status: criteria provided, single submitter. Criteria: LabCorp Variant Classification Summary - May 2015. Collection method: clinical testing. Allele origin: germline.
Comment: Variant summary: HPS4 c.649C>T (p.Arg217X) results in a premature termination codon, predicted to cause a truncation of the encoded protein or absence of the protein due to nonsense mediated decay, which are commonly known mechanisms for disease. The variant allele was found at a frequency of 3.6e-05 in 250768 control chromosomes. c.649C>T has been reported in the literature in individuals affected with Hermansky-Pudlak Syndrome, type 4, including as a compound heterozygous genotype (e.g. Anderson_2003). These data indicate that the variant may be associated with disease. To our knowledge, no experimental evidence demonstrating an impact on protein function has been reported. ClinVar contains an entry for this variant (Variation ID: 4130). Based on the evidence outlined above, the variant was classified as pathogenic.

Blueprint Genetics
Classification: Pathogenic for HPS4-related disorders. Last evaluated: 2024-09-10. Review status: criteria provided, single submitter. Criteria: ACMG Guidelines, 2015. Collection method: clinical testing. Allele origin: germline. Affected: yes. Observed: 5 variant alleles.

Fulgent Genetics
Classification: Pathogenic for Hermansky-Pudlak syndrome 4. Last evaluated: 2024-05-03. Review status: criteria provided, single submitter. Criteria: ACMG Guidelines, 2015. Collection method: clinical testing. Allele origin: germline.

Department of Pathology and Laboratory Medicine, Sinai Health System
Classification: Pathogenic for Hermansky-Pudlak syndrome 4. Last evaluated: 2023-10-12. Review status: criteria provided, single submitter. Criteria: ACMG Guidelines, 2015. Collection method: research. Allele origin: germline.

Broad Center for Mendelian Genomics, Broad Institute of MIT and Harvard
Classification: Likely pathogenic for Hermansky-Pudlak syndrome 4. Last evaluated: 2023-01-24. Review status: criteria provided, single submitter. Criteria: ACMG Guidelines, 2015. Collection method: curation. Allele origin: germline. Inheritance: Autosomal recessive inheritance.
Comment: The p.Arg217Ter variant in HPS4 has been reported in 4 individuals with Hermansky-Pudlak syndrome 4 (PMID: 31898847, 29600982, 12664304, 33229802), and has been identified in 0.006% (8/128820) of European (non-Finnish) chromosomes by the Genome Aggregation Database (gnomAD; dbSNP ID: rs119471023). Although this variant has been seen in the general population in a heterozygous state, its frequency is low enough to be consistent with a recessive carrier frequency. Of the 4 affected individuals, one of those was a homozygote, which increases the likelihood that the p.Arg217Ter variant is pathogenic (PMID: 12664304). This variant has also been reported in ClinVar (Variation ID#: 4130) and has been interpreted as pathogenic by Invitae, OMIM, and Institute of Human Genetics (University Hospital Muenster). This nonsense variant leads to a premature termination codon at position 217, which is predicted to lead to a truncated or absent protein. Loss of function of the HPS4 gene is strongly associated to autosomal recessive Hermansky-Pudlak syndrome 4. In summary, although additional studies are required to fully establish its clinical significance, this variant is likely pathogenic for autosomal recessive Hermansky-Pudlak syndrome 4. ACMG/AMP Criteria applied: PVS1_strong, PM3_supporting, PM2_supporting (Richards 2015).

Revvity Omics, Revvity
Classification: Pathogenic for Hermansky-Pudlak syndrome 4. Last evaluated: 2022-12-14. Review status: criteria provided, single submitter. Criteria: ACMG Guidelines, 2015. Collection method: clinical testing. Allele origin: germline.

Centre of Medical Genetics, University Hospital Muenster
Classification: Pathogenic. Last evaluated: 2021-12-08. Review status: criteria provided, single submitter. Criteria: ACMG Guidelines, 2015. Collection method: clinical testing. Allele origin: unknown. Affected: yes. Observed: 1 variant allele, 1 heterozygote.
Comment: ACMG categories: PVS1,PM2,PM3,PP5

Juno Genomics, Hangzhou Juno Genomics, Inc
Classification: Pathogenic for Hermansky-Pudlak syndrome 4. Review status: criteria provided, single submitter. Criteria: ACMG Guidelines, 2015. Collection method: clinical testing. Allele origin: germline.
Comment: Absent from controls (or at extremely low frequency if recessive) in Genome Aggregation Database.;Null variant in a gene where loss of function (LOF) is a known mechanism of disease.;For recessive disorders, detected in trans with a pathogenic variant.;Patient's phenotype or family history is highly specific for a disease with a single genetic etiology.;Co-segregation with disease in multiple affected family members.

OMIM
Classification: Pathogenic for HERMANSKY-PUDLAK SYNDROME 4. Last evaluated: 2003-07-01. Review status: no assertion criteria provided. Collection method: literature only. Allele origin: germline. Not counted in ClinVar's aggregate classification.

Literature cited by the submitters: PubMed 12664304 (cited by 6 submitters); PubMed 29600982 (cited by Labcorp Genetics (formerly Invitae), Labcorp); PubMed 34838614 (cited by Laboratory of Genetic Epidemiology, Research Centre for Medical Genetics); PubMed 41428507 (cited by Laboratory of Genetic Epidemiology, Research Centre for Medical Genetics).